The following is an entry in ClinVar:

ClinVar aggregate classification (germline): Uncertain significance. Review status: criteria provided, multiple submitters, no conflicts (2 of 4 stars). 4 submissions from 4 submitters: Uncertain significance (4). Last evaluated 2024-09-12.

Conditions:
Combined immunodeficiency due to LRBA deficiency. Also called: Common variable immunodeficiency 8, with autoimmunity. Identifiers: Orphanet 445018, MedGen C3553512, MONDO:0013863, OMIM 614700.
Inborn genetic diseases. Identifiers: MedGen C0950123, MeSH D030342.

Allele frequency attached by ClinVar (database versions not stated): ESP Exome Variant Server 0.00008; gnomAD exomes 0.00018; TOPMed 0.00018; gnomAD 0.00019.
gnomAD v4.1: 264 of 1,611,762 alleles (0.016%); highest among the groups gnomAD compares: South Asian, 0.053%; no homozygotes.

Submissions (4):

Blueprint Genetics
Classification: Uncertain significance. Last evaluated: 2024-09-12. Review status: criteria provided, single submitter. Criteria: ACMG Guidelines, 2015. Collection method: clinical testing. Allele origin: germline.

Baylor Genetics
Classification: Uncertain significance for Combined immunodeficiency due to LRBA deficiency. Last evaluated: 2024-03-05. Review status: criteria provided, single submitter. Criteria: ACMG Guidelines, 2015. Collection method: clinical testing. Allele origin: unknown.

Labcorp Genetics (formerly Invitae), Labcorp
Classification: Uncertain significance for Combined immunodeficiency due to LRBA deficiency. Last evaluated: 2022-06-13. Review status: criteria provided, single submitter. Criteria: Invitae Variant Classification Sherloc (09022015). Collection method: clinical testing. Allele origin: germline.
Comment: This sequence change replaces alanine, which is neutral and non-polar, with valine, which is neutral and non-polar, at codon 1915 of the LRBA protein (p.Ala1915Val). This variant is present in population databases (rs201500267, gnomAD 0.05%). This variant has not been reported in the literature in individuals affected with LRBA-related conditions. ClinVar contains an entry for this variant (Variation ID: 647675). Algorithms developed to predict the effect of missense changes on protein structure and function are either unavailable or do not agree on the potential impact of this missense change (SIFT: "Tolerated"; PolyPhen-2: "Probably Damaging"; Align-GVGD: "Class C0"). In summary, the available evidence is currently insufficient to determine the role of this variant in disease. Therefore, it has been classified as a Variant of Uncertain Significance.

Ambry Genetics
Classification: Uncertain significance for Inborn genetic diseases. Last evaluated: 2021-10-13. Review status: criteria provided, single submitter. Criteria: Ambry Variant Classification Scheme 2023. Collection method: clinical testing. Allele origin: germline.

NM_001364905.1(LRBA):c.5744C>T (p.Ala1915Val)

Gene: LRBA (LPS responsive beige-like anchor protein; minus strand). Cytogenetic location: 4q31.3.
Variant type: single nucleotide variant.
Coding change: c.5744C>T on transcript NM_001364905.1 (MANE Select); coding-DNA position 5744, C replaced by T.
Protein change: p.Ala1915Val; replaces alanine 1915 with valine.
Molecular consequence: missense variant.
Genome position (GRCh38, 1-based): chr4:150,735,268, G>A on the plus strand (C>T on the coding strand, the complement: LRBA is on the minus strand). VCF-style: chr4-150735268-G-A. GRCh37 (hg19) VCF-style: chr4-151656420-G-A.
Other names: c.5744C>T, p.Ala1915Val (NM_001199282.3, NM_001367550.1, NM_006726.5); short protein forms A1915V.
Identifiers: ClinVar variation 647675 (VCV000647675.11), dbSNP rs201500267, ClinGen allele CA3102381.